The following is an entry in ClinVar:

ClinVar aggregate classification (germline): Uncertain significance (1 of 4 stars; one submission).

Allele frequency attached by ClinVar (database versions not stated): gnomAD exomes below 0.00001; ExAC 0.00001.
gnomAD v4.1: 2 of 1,601,646 alleles (0.00012%); highest among the groups gnomAD compares: Admixed American, 0.0017%; no homozygotes.

Submission:

Labcorp Genetics (formerly Invitae), Labcorp
Classification: Uncertain significance. Last evaluated: 2024-01-16. Review status: criteria provided, single submitter. Criteria: Invitae Variant Classification Sherloc (09022015). Collection method: clinical testing. Allele origin: germline.
Comment: This sequence change replaces isoleucine, which is neutral and non-polar, with threonine, which is neutral and polar, at codon 644 of the ATP1A1 protein (p.Ile644Thr). This variant is present in population databases (rs762583802, gnomAD 0.003%). This variant has not been reported in the literature in individuals affected with ATP1A1-related conditions. Advanced modeling of protein sequence and biophysical properties (such as structural, functional, and spatial information, amino acid conservation, physicochemical variation, residue mobility, and thermodynamic stability) performed at Invitae indicates that this missense variant is not expected to disrupt ATP1A1 protein function with a negative predictive value of 95%. In summary, the available evidence is currently insufficient to determine the role of this variant in disease. Therefore, it has been classified as a Variant of Uncertain Significance.

NM_000701.8(ATP1A1):c.1931T>C (p.Ile644Thr)

Genes: ATP1A1 (ATPase Na+/K+ transporting subunit alpha 1; plus strand), ATP1A1-AS1 (ATP1A1 antisense RNA 1; minus strand). Cytogenetic location: 1p13.1.
Variant type: single nucleotide variant.
Coding change: c.1931T>C on transcript NM_000701.8 (MANE Select); coding-DNA position 1931, T replaced by C.
Protein change: p.Ile644Thr; replaces isoleucine 644 with threonine.
Molecular consequence: missense variant.
Genome position (GRCh38, 1-based): chr1:116,396,692, T>C. VCF-style: chr1-116396692-T-C. GRCh37 (hg19) VCF-style: chr1-116939314-T-C.
Other names: c.1931T>C, p.Ile644Thr (NM_001160233.2); c.1838T>C, p.Ile613Thr (NM_001160234.2); short protein forms I613T, I644T.
Identifiers: ClinVar variation 2846170 (VCV002846170.3), dbSNP rs762583802, ClinGen allele CA1025419.
Genomic context (GRCh38, chr1:116,396,692, plus strand): 5'-CTAAAGCTATTGCCAAAGGTGTGGGCATCATCTCAGAAGGCAATGAGACCGTGGAAGACA[T>C]TGCTGCCCGCCTCAACATCCCAGTCAGCCAGGTGAACCCCAGGTAAGGCAGGAAGCTCAA-3'
Protein context (NP_000692.2, residues 634-654): ISEGNETVED[Ile644Thr]AARLNIPVSQ